The following is an entry in ClinVar:

ClinVar aggregate classification (germline): Uncertain significance (1 of 4 stars; one submission).

Allele frequency attached by ClinVar (database versions not stated): gnomAD exomes below 0.00001.
gnomAD v4.1: 1 of 1,482,916 alleles (0.000067%); highest among the groups gnomAD compares: Non-Finnish European, 0.000089%; no homozygotes.

Submission:

Labcorp Genetics (formerly Invitae), Labcorp
Classification: Uncertain significance. Last evaluated: 2025-01-06. Review status: criteria provided, single submitter. Criteria: Invitae Variant Classification Sherloc (09022015). Collection method: clinical testing. Allele origin: germline.
Comment: This sequence change replaces serine, which is neutral and polar, with threonine, which is neutral and polar, at codon 187 of the LEMD3 protein (p.Ser187Thr). This variant is not present in population databases (gnomAD no frequency). This variant has not been reported in the literature in individuals affected with LEMD3-related conditions. ClinVar contains an entry for this variant (Variation ID: 2867655). Invitae Evidence Modeling of protein sequence and biophysical properties (such as structural, functional, and spatial information, amino acid conservation, physicochemical variation, residue mobility, and thermodynamic stability) indicates that this missense variant is not expected to disrupt LEMD3 protein function with a negative predictive value of 80%. In summary, the available evidence is currently insufficient to determine the role of this variant in disease. Therefore, it has been classified as a Variant of Uncertain Significance.

NM_014319.5(LEMD3):c.559T>A (p.Ser187Thr)

Gene: LEMD3 (LEM domain containing 3; plus strand). Cytogenetic location: 12q14.3.
Variant type: single nucleotide variant.
Coding change: c.559T>A on transcript NM_014319.5 (MANE Select); coding-DNA position 559, T replaced by A.
Protein change: p.Ser187Thr; replaces serine 187 with threonine.
Molecular consequence: missense variant.
Genome position (GRCh38, 1-based): chr12:65,170,155, T>A. VCF-style: chr12-65170155-T-A. GRCh37 (hg19) VCF-style: chr12-65563935-T-A.
Other names: c.559T>A, p.Ser187Thr (NM_001167614.2); short protein forms S187T.
Identifiers: ClinVar variation 2867655 (VCV002867655.3), dbSNP rs2498938760, ClinGen allele CA385673473.